The following is an entry in ClinVar:

ClinVar aggregate classification (germline): Pathogenic (1 of 4 stars; one submission).

Submission:

Labcorp Genetics (formerly Invitae), Labcorp
Classification: Pathogenic. Last evaluated: 2023-10-13. Review status: criteria provided, single submitter. Criteria: Invitae Variant Classification Sherloc (09022015). Collection method: clinical testing. Allele origin: unknown.
Comment: A gross deletion of the genomic region encompassing the full coding sequence of the ZNF335 gene has been identified. Loss-of-function variants in ZNF335 are known to be pathogenic (PMID: 23178126, 26795593). The boundaries of this event are unknown as they extend beyond the assayed region for this gene and therefore may encompass additional genes. This variant has not been reported in the literature in individuals affected with ZNF335-related conditions. For these reasons, this variant has been classified as Pathogenic.

Literature cited by the submitters: PubMed 23178126; PubMed 26795593.

NC_000020.10:g.(?_44577592)_(45362473_?)del

Genes: CD40 (CD40 molecule; plus strand), CDH22 (cadherin 22; minus strand), ELMO2 (engulfment and cell motility 2; minus strand), MMP9 (matrix metallopeptidase 9; plus strand), NCOA5 (nuclear receptor coactivator 5; minus strand) and 9 more. Cytogenetic location: 20q13.12.
Variant type: Deletion.
Identifiers: ClinVar variation 3248346 (VCV003248346.1).